The following is an entry in ClinVar:

ClinVar aggregate classification (germline): Uncertain significance (1 of 4 stars; one submission).

gnomAD v4.1: 2 of 1,197,968 alleles (0.00017%); highest among the groups gnomAD compares: Non-Finnish European, 0.00023%; no homozygotes.

Submission:

Labcorp Genetics (formerly Invitae), Labcorp
Classification: Uncertain significance. Last evaluated: 2024-05-06. Review status: criteria provided, single submitter. Criteria: Invitae Variant Classification Sherloc (09022015). Collection method: clinical testing. Allele origin: germline.
Comment: This sequence change affects codon 463 of the CLCN4 mRNA. It is a 'silent' change, meaning that it does not change the encoded amino acid sequence of the CLCN4 protein. This variant also falls at the last nucleotide of exon 9, which is part of the consensus splice site for this exon. This variant is not present in population databases (gnomAD no frequency). This variant has not been reported in the literature in individuals affected with CLCN4-related conditions. Variants that disrupt the consensus splice site are a relatively common cause of aberrant splicing (PMID: 17576681, 9536098). Algorithms developed to predict the effect of sequence changes on RNA splicing suggest that this variant is not likely to affect RNA splicing. In summary, the available evidence is currently insufficient to determine the role of this variant in disease. Therefore, it has been classified as a Variant of Uncertain Significance.

Literature cited by the submitters: PubMed 17576681; PubMed 9536098.

NM_001830.4(CLCN4):c.1389G>A (p.Lys463=)

Gene: CLCN4 (chloride voltage-gated channel 4; plus strand). Cytogenetic location: Xp22.2.
Variant type: single nucleotide variant.
Coding change: c.1389G>A on transcript NM_001830.4 (MANE Select); coding-DNA position 1389, G replaced by A.
Protein change: p.Lys463=; no amino-acid change (lysine 463 retained).
Molecular consequence: synonymous variant.
Genome position (GRCh38, 1-based): chrX:10,208,590, G>A. VCF-style: chrX-10208590-G-A. GRCh37 (hg19) VCF-style: chrX-10176630-G-A.
Other names: c.1107G>A, p.Lys369= (NM_001256944.2).
Identifiers: ClinVar variation 3697388 (VCV003697388.2).